The following is an entry in ClinVar:

NM_212482.4(FN1):c.2231C>T (p.Ser744Phe)

Gene: FN1 (fibronectin 1; minus strand). Cytogenetic location: 2q35.
Variant type: single nucleotide variant.
Coding change: c.2231C>T on transcript NM_212482.4 (MANE Select); coding-DNA position 2231, C replaced by T.
Protein change: p.Ser744Phe; replaces serine 744 with phenylalanine.
Molecular consequence: missense variant.
Genome position (GRCh38, 1-based): chr2:215,409,631, G>A on the plus strand (C>T on the coding strand, the complement: FN1 is on the minus strand). VCF-style: chr2-215409631-G-A. GRCh37 (hg19) VCF-style: chr2-216274354-G-A.
Other names: c.2231C>T, p.Ser744Phe (NM_001306129.2, NM_001306130.2, NM_001306131.2 and 13 more transcripts); short protein forms S744F.
Identifiers: ClinVar variation 2103390 (VCV002103390.4), dbSNP rs1176049349, ClinGen allele CA350491588.
Genomic context (GRCh38, chr2:215,409,631, plus strand): 5'-TGTGGCTCATCTCCCTCCTCACTCAGCTCATATTCCACCCGGAATCCCGACACGGTGTCG[G>A]AAGCTGAGACCCAGGAGACCACAAAGCTACTGGCTGTGATTTCGGTCACAGATTCAGAAG-3'
Protein context (NP_997647.2, residues 734-754): SSFVVSWVSA[Ser744Phe]DTVSGFRVEY

ClinVar aggregate classification (germline): Uncertain significance (1 of 4 stars; one submission).

Allele frequency attached by ClinVar (database versions not stated): gnomAD 0.00001; gnomAD exomes 0.00001; TOPMed 0.00001.

Submission:

Labcorp Genetics (formerly Invitae), Labcorp
Classification: Uncertain significance. Last evaluated: 2022-03-28. Review status: criteria provided, single submitter. Criteria: Invitae Variant Classification Sherloc (09022015). Collection method: clinical testing. Allele origin: germline.
Comment: In summary, the available evidence is currently insufficient to determine the role of this variant in disease. Therefore, it has been classified as a Variant of Uncertain Significance. Algorithms developed to predict the effect of missense changes on protein structure and function are either unavailable or do not agree on the potential impact of this missense change (SIFT: "Not Available"; PolyPhen-2: "Probably Damaging"; Align-GVGD: "Not Available"). This variant has not been reported in the literature in individuals affected with FN1-related conditions. This variant is not present in population databases (gnomAD no frequency). This sequence change replaces serine, which is neutral and polar, with phenylalanine, which is neutral and non-polar, at codon 744 of the FN1 protein (p.Ser744Phe).